The following is an entry in ClinVar:

ClinVar aggregate classification (germline): Likely benign. Review status: criteria provided, multiple submitters, no conflicts (2 of 4 stars). 2 submissions from 2 submitters: Likely benign (2). Last evaluated 2023-10-31.

Allele frequency attached by ClinVar (database versions not stated): gnomAD 0.00003; TOPMed 0.00004; ExAC 0.00006; gnomAD exomes 0.00007; ESP Exome Variant Server 0.00009.
gnomAD v4.1: 83 of 1,206,837 alleles (0.0069%); highest among the groups gnomAD compares: Non-Finnish European, 0.0083%; 1 homozygote.

Submissions (2):

Ambry Genetics
Classification: Likely benign. Last evaluated: 2023-10-31. Review status: criteria provided, single submitter. Criteria: Ambry Variant Classification Scheme 2023. Collection method: clinical testing. Allele origin: germline.

CeGaT Center for Human Genetics Tuebingen
Classification: Likely benign. Last evaluated: 2023-02-01. Review status: criteria provided, single submitter. Criteria: CeGaT Center For Human Genetics Tuebingen Variant Classification Criteria Version 2. Collection method: clinical testing. Allele origin: germline. Affected: yes. Observed: 1 variant allele.
Comment: LONRF3: BP4, BP7, BS2

NM_001031855.3(LONRF3):c.39C>T (p.Pro13=)

Gene: LONRF3 (LON peptidase N-terminal domain and ring finger 3; plus strand). Cytogenetic location: Xq24.
Variant type: single nucleotide variant.
Coding change: c.39C>T on transcript NM_001031855.3 (MANE Select); coding-DNA position 39, C replaced by T.
Protein change: p.Pro13=; no amino-acid change (proline 13 retained).
Molecular consequence: synonymous variant. On other transcripts: non-coding transcript variant (1).
Genome position (GRCh38, 1-based): chrX:118,974,819, C>T. VCF-style: chrX-118974819-C-T. GRCh37 (hg19) VCF-style: chrX-118108782-C-T.
Other names: c.39C>T (NM_001031855.1); c.39C>T, p.Pro13= (NM_024778.5).
Identifiers: ClinVar variation 2661279 (VCV002661279.25), dbSNP rs376688770, ClinGen allele CA10500392.